The following is an entry in ClinVar:

ClinVar aggregate classification (germline): Uncertain significance. Review status: criteria provided, multiple submitters, no conflicts (2 of 4 stars). 3 submissions from 3 submitters: Uncertain significance (3). Last evaluated 2025-11-05.

Conditions:
Familial adenomatous polyposis 1 (FAP1). Also called: POLYPOSIS, ADENOMATOUS INTESTINAL; FAMILIAL ADENOMATOUS POLYPOSIS 1, ATTENUATED. Identifiers: MedGen C2713442, MONDO:0021056, OMIM 175100. Disease mechanism: loss of function.
Hereditary cancer-predisposing syndrome. Also called: Hereditary Cancer Syndrome; Neoplastic Syndromes, Hereditary; Tumor predisposition; Hereditary neoplastic syndrome. Identifiers: Orphanet 140162, MedGen C0027672, MeSH D009386, MONDO:0015356.

Allele frequency attached by ClinVar (database versions not stated): TOPMed below 0.00001.

Submissions (3):

Labcorp Genetics (formerly Invitae), Labcorp
Classification: Uncertain significance for Familial adenomatous polyposis 1. Last evaluated: 2025-11-05. Review status: criteria provided, single submitter. Criteria: Invitae Variant Classification Sherloc (09022015). Collection method: clinical testing. Allele origin: germline.
Comment: This sequence change replaces serine, which is neutral and polar, with arginine, which is basic and polar, at codon 1072 of the APC protein (p.Ser1072Arg). This variant is not present in population databases (gnomAD no frequency). This variant has not been reported in the literature in individuals affected with APC-related conditions. ClinVar contains an entry for this variant (Variation ID: 490259). Invitae Evidence Modeling of protein sequence and biophysical properties (such as structural, functional, and spatial information, amino acid conservation, physicochemical variation, residue mobility, and thermodynamic stability) indicates that this missense variant is not expected to disrupt APC protein function with a negative predictive value of 95%. In summary, the available evidence is currently insufficient to determine the role of this variant in disease. Therefore, it has been classified as a Variant of Uncertain Significance.

Ambry Genetics
Classification: Uncertain significance for Hereditary cancer-predisposing syndrome. Last evaluated: 2025-09-19. Review status: criteria provided, single submitter. Criteria: Ambry Variant Classification Scheme 2023. Collection method: clinical testing. Allele origin: germline.
Comment: The p.S1072R variant (also known as c.3214A>C), located in coding exon 15 of the APC gene, results from an A to C substitution at nucleotide position 3214. The serine at codon 1072 is replaced by arginine, an amino acid with dissimilar properties. This amino acid position is conserved. In addition, in silico predictors for this gene do not accurately predict pathogenicity. Based on the available evidence, the clinical significance of this variant remains unclear.

Color Diagnostics, LLC DBA Color Health
Classification: Uncertain significance for Hereditary cancer-predisposing syndrome. Last evaluated: 2023-12-05. Review status: criteria provided, single submitter. Criteria: ACMG Guidelines, 2015. Collection method: clinical testing. Allele origin: germline.
Comment: This missense variant replaces serine with arginine at codon 1072 of the APC protein. Computational prediction suggests that this variant may not impact protein structure and function (internally defined REVEL score threshold <= 0.5, PMID: 27666373). To our knowledge, functional studies have not been reported for this variant. This variant has not been reported in individuals affected with APC-related disorders in the literature. This variant has not been identified in the general population by the Genome Aggregation Database (gnomAD). The available evidence is insufficient to determine the role of this variant in disease conclusively. Therefore, this variant is classified as a Variant of Uncertain Significance.

NM_000038.6(APC):c.3214A>C (p.Ser1072Arg)

Gene: APC (APC regulator of Wnt signaling pathway; plus strand). Cytogenetic location: 5q22.2.
Variant type: single nucleotide variant.
Coding change: c.3214A>C on transcript NM_000038.6 (MANE Select); coding-DNA position 3214, A replaced by C.
Protein change: p.Ser1072Arg; replaces serine 1072 with arginine.
Molecular consequence: missense variant.
Genome position (GRCh38, 1-based): chr5:112,838,808, A>C. VCF-style: chr5-112838808-A-C. GRCh37 (hg19) VCF-style: chr5-112174505-A-C.
Other names: c.3214A>C, p.Ser1072Arg (NM_001127510.3, NM_001354895.2); c.3160A>C, p.Ser1054Arg (NM_001127511.3); c.3268A>C, p.Ser1090Arg (NM_001354896.2); c.3244A>C, p.Ser1082Arg (NM_001354897.2); c.3139A>C, p.Ser1047Arg (NM_001354898.2); c.3130A>C, p.Ser1044Arg (NM_001354899.2); c.3091A>C, p.Ser1031Arg (NM_001354900.2); c.3037A>C, p.Ser1013Arg (NM_001354901.2); and 5 more; short protein forms S1054R, S1072R, S1044R, S1090R, S946R, S971R, S981R, S1013R.
Identifiers: ClinVar variation 490259 (VCV000490259.8), dbSNP rs1554084854, ClinGen allele CA16028384.